The following is an entry in ClinVar:

ClinVar aggregate classification (germline): Likely benign (1 of 4 stars; one submission).

Submission:

CeGaT Center for Human Genetics Tuebingen
Classification: Likely benign. Last evaluated: 2026-01-01. Review status: criteria provided, single submitter. Criteria: CeGaT Center For Human Genetics Tuebingen Variant Classification Criteria Version 2. Collection method: clinical testing. Allele origin: germline. Affected: yes. Observed: 1 variant allele.
Comment: DMD: PM2:Supporting, BP4, BP7

NM_004006.3(DMD):c.189A>G (p.Pro63=)

Gene: DMD (dystrophin; minus strand). Cytogenetic location: Xp21.1.
Variant type: single nucleotide variant.
Coding change: c.189A>G on transcript NM_004006.3 (MANE Select); coding-DNA position 189, A replaced by G.
Protein change: p.Pro63=; no amino-acid change (proline 63 retained).
Molecular consequence: synonymous variant. On other transcripts: 5 prime UTR variant (1).
Genome position (GRCh38, 1-based): chrX:32,844,858, T>C on the plus strand (A>G on the coding strand, the complement: DMD is on the minus strand). VCF-style: chrX-32844858-T-C. GRCh37 (hg19) VCF-style: chrX-32862975-T-C.
Other names: c.165A>G, p.Pro55= (NM_000109.4); c.177A>G, p.Pro59= (NM_004009.3); c.-181A>G (NM_004010.3).
Identifiers: ClinVar variation 4822989 (VCV004822989.4).